The following is an entry in ClinVar:

ClinVar aggregate classification (germline): Likely benign. Review status: criteria provided, multiple submitters, no conflicts (2 of 4 stars). 4 submissions from 4 submitters: Likely benign (4). Last evaluated 2026-02-17.

Conditions:
Cardiovascular phenotype. Identifiers: MedGen CN230736.
Catecholaminergic polymorphic ventricular tachycardia 1. Also called: VENTRICULAR TACHYCARDIA, CATECHOLAMINERGIC POLYMORPHIC, 1, WITH OR WITHOUT ATRIAL DYSFUNCTION AND/OR DILATED CARDIOMYOPATHY; RYR2-Related Catecholaminergic Polymorphic Ventricular Tachycardia; VENTRICULAR TACHYCARDIA, STRESS-INDUCED POLYMORPHIC 1. Identifiers: Orphanet 3286, MedGen C1631597, MONDO:0011484, OMIM 604772.
Cardiomyopathy (CMYO). Also called: Cardiomyopathies. Identifiers: Orphanet 167848, MedGen C0878544, MONDO:0004994, HP:0001638. Inheritance: Various modes of inheritance.

Allele frequency attached by ClinVar (database versions not stated): gnomAD exomes 0.00001.
gnomAD v4.1: 12 of 1,514,828 alleles (0.00079%); highest among the groups gnomAD compares: South Asian, 0.0013%; no homozygotes.

Submissions (4):

Women's Health and Genetics/Laboratory Corporation of America, LabCorp
Classification: Likely benign. Last evaluated: 2026-02-17. Review status: criteria provided, single submitter. Criteria: LabCorp Variant Classification Summary - May 2015. Collection method: clinical testing. Allele origin: germline.
Comment: Variant summary: RYR2 c.8151G>A alters a non-conserved nucleotide resulting in a synonymous change. Consensus agreement among computation tools predict no significant impact on normal splicing. However, these predictions have yet to be confirmed by functional studies. The frequency data for this variant in gnomAD is considered unreliable, as metrics indicate poor data quality at this position. To our knowledge, no occurrence of c.8151G>A in individuals affected with RYR2-related conditions and no experimental evidence demonstrating its impact on protein function have been reported. ClinVar contains an entry for this variant (Variation ID: 1079223). Based on the evidence outlined above, the variant was classified as likely benign.

Labcorp Genetics (formerly Invitae), Labcorp
Classification: Likely benign for Catecholaminergic polymorphic ventricular tachycardia 1. Last evaluated: 2024-05-29. Review status: criteria provided, single submitter. Criteria: Invitae Variant Classification Sherloc (09022015). Collection method: clinical testing. Allele origin: germline.

Color Diagnostics, LLC DBA Color Health
Classification: Likely benign for Cardiomyopathy. Last evaluated: 2020-09-04. Review status: criteria provided, single submitter. Criteria: ACMG Guidelines, 2015. Collection method: clinical testing. Allele origin: germline.

Ambry Genetics
Classification: Likely benign for Cardiovascular phenotype. Last evaluated: 2020-02-02. Review status: criteria provided, single submitter. Criteria: Ambry Variant Classification Scheme 2023. Collection method: clinical testing. Allele origin: germline.

NM_001035.3(RYR2):c.8151G>A (p.Leu2717=)

Gene: RYR2 (ryanodine receptor 2; plus strand). Cytogenetic location: 1q43.
Variant type: single nucleotide variant.
Coding change: c.8151G>A on transcript NM_001035.3 (MANE Select); coding-DNA position 8151, G replaced by A.
Protein change: p.Leu2717=; no amino-acid change (leucine 2717 retained).
Molecular consequence: synonymous variant.
Genome position (GRCh38, 1-based): chr1:237,657,965, G>A. VCF-style: chr1-237657965-G-A. GRCh37 (hg19) VCF-style: chr1-237821265-G-A.
Other names: c.8151G>A (NM_001035.2).
Identifiers: ClinVar variation 1079223 (VCV001079223.15), dbSNP rs1361143892, ClinGen allele CA423820737.